The following is an entry in ClinVar:

ClinVar aggregate classification (germline): Pathogenic (1 of 4 stars; one submission).

Conditions:
Malan overgrowth syndrome (MALNS). Also called: MALAN SYNDROME; NFIX-Related Malan Syndrome; Sotos syndrome 2. Identifiers: Orphanet 420179, MedGen C3553660, MONDO:0013885, OMIM 614753.

Submission:

Victorian Clinical Genetics Services, Murdoch Childrens Research Institute
Classification: Pathogenic for Malan overgrowth syndrome. Last evaluated: 2023-07-17. Review status: criteria provided, single submitter. Criteria: ACMG Guidelines, 2015. Collection method: clinical testing. Allele origin: germline. Inheritance: Autosomal dominant inheritance. Affected: yes.
Comment: Based on the classification scheme VCGS_Germline_v1.3.4, this variant is classified as Pathogenic. Following criteria are met: 0102 - Loss of function is a known mechanism of disease in this gene and is associated with Malan syndrome (MIM#614753), and dominant negative is a suspected mechanism for Marshall-Smith syndrome (MIM#602535) (PMID:24924640). (I) 0107 - This gene is associated with autosomal dominant disease. (I) 0201 - Variant is predicted to cause nonsense-mediated decay (NMD) and loss of protein (premature termination codon is located at least 54 nucleotides upstream of the final exon-exon junction). (SP) 0251 - This variant is heterozygous. (I) 0301 - Variant is absent from gnomAD (both v2 and v3). (SP) 0701 - Other NMD-predicted variants comparable to the one identified in this case have very strong previous evidence for pathogenicity. More than 10 unrelated individuals with Malan syndrome and Marshall-Smith syndrome have been identified with de novo NMD-predicted variants in this gene (ClinVar, PMID:29897170) (SP) 0807 - This variant has no previous evidence of pathogenicity. (I) 0905 - No published segregation evidence has been identified for this variant. (I) 1007 - No published functional evidence has been identified for this variant. (SP) Legend: (SP) - Supporting pathogenic, (I) - Information, (SB) - Supporting benign

Literature cited by the submitters: PubMed 24924640; PubMed 29897170.

NM_001365902.3(NFIX):c.41_42dup (p.Phe15fs)

Gene: NFIX (nuclear factor I X; plus strand). Cytogenetic location: 19p13.13.
Variant type: Duplication.
Coding change: c.41_42dup on transcript NM_001365902.3 (MANE Select); coding-DNA positions 41 to 42, 2 bases duplicated (CG; older notation c.41_42dupCG).
Protein change: p.Phe15fs; shifts the reading frame from phenylalanine 15.
Molecular consequence: frameshift variant. On other transcripts: 5 prime UTR variant (1).
Genome position (GRCh38, 1-based): chr19:13,025,034-13,025,035, CG duplicated. VCF-style (leftmost placement, unchanged base first): chr19-13025033-C-CCG. GRCh37 (hg19) VCF-style: chr19-13135847-C-CCG.
Other names: c.65_66dup, p.Phe23fs (NM_001271043.2); c.17_18dup, p.Phe7fs (NM_001271044.3, NM_001378404.1); c.41_42dup, p.Phe15fs (NM_001365982.2, NM_002501.4); c.-101_-100dup (NM_001365983.2); c.38_39dup, p.Phe14fs (NM_001365984.2, NM_001365985.2); c.89_90dup, p.Phe31fs (NM_001378405.1); short protein forms F14fs, F15fs, F23fs, F31fs, F7fs.
Identifiers: ClinVar variation 3254831 (VCV003254831.1), dbSNP rs2512742400.